The following is an entry in ClinVar:

ClinVar aggregate classification (germline): Uncertain significance. Review status: criteria provided, multiple submitters, no conflicts (2 of 4 stars). 2 submissions from 2 submitters: Uncertain significance (2). Last evaluated 2025-09-21.

Allele frequency attached by ClinVar (database versions not stated): TOPMed 0.00001; ExAC 0.00002.
gnomAD v4.1: 6 of 1,613,478 alleles (0.00037%); highest among the groups gnomAD compares: Admixed American, 0.005%; no homozygotes.

Submissions (2):

Labcorp Genetics (formerly Invitae), Labcorp
Classification: Uncertain significance. Last evaluated: 2025-09-21. Review status: criteria provided, single submitter. Criteria: Invitae Variant Classification Sherloc (09022015). Collection method: clinical testing. Allele origin: germline.
Comment: This sequence change replaces valine, which is neutral and non-polar, with methionine, which is neutral and non-polar, at codon 509 of the DSCAML1 protein (p.Val509Met). This variant is present in population databases (rs777936134, gnomAD 0.01%). This variant has not been reported in the literature in individuals affected with DSCAML1-related conditions. ClinVar contains an entry for this variant (Variation ID: 2517297). An algorithm developed to predict the effect of missense changes on protein structure and function outputs the following: PolyPhen-2: "Benign". The methionine amino acid residue is found in multiple mammalian species, which suggests that this missense change does not adversely affect protein function. In summary, the available evidence is currently insufficient to determine the role of this variant in disease. Therefore, it has been classified as a Variant of Uncertain Significance.

Ambry Genetics
Classification: Uncertain significance. Last evaluated: 2023-04-26. Review status: criteria provided, single submitter. Criteria: Ambry Variant Classification Scheme 2023. Collection method: clinical testing. Allele origin: germline.

NM_020693.4(DSCAML1):c.1345G>A (p.Val449Met)

Gene: DSCAML1 (DS cell adhesion molecule like 1; minus strand). Cytogenetic location: 11q23.3.
Variant type: single nucleotide variant.
Coding change: c.1345G>A on transcript NM_020693.4 (MANE Select); coding-DNA position 1345, G replaced by A.
Protein change: p.Val449Met; replaces valine 449 with methionine.
Molecular consequence: missense variant.
Genome position (GRCh38, 1-based): chr11:117,518,631, C>T on the plus strand (G>A on the coding strand, the complement: DSCAML1 is on the minus strand). VCF-style: chr11-117518631-C-T. GRCh37 (hg19) VCF-style: chr11-117389346-C-T.
Other names: c.1345G>A, p.Val449Met (NM_001367904.1); c.937G>A, p.Val313Met (NM_001367905.1); short protein forms V313M, V449M.
Identifiers: ClinVar variation 2517297 (VCV002517297.3), dbSNP rs777936134, ClinGen allele CA6297288.
Genomic context (GRCh38, chr11:117,518,631, plus strand): 5'-GGCTGATGGTGGTGCCGTCCGACATGGTGTACTGGTTGGTGCGGTGGCTGCCATCCCGCA[C>T]GATGGGCTCATCGTCGAGGGCCCAGGTGACCGTGGGGGGCGGGGCGCCCTTGGCCGCACA-3'
Protein context (NP_065744.3, residues 439-459): VTWALDDEPI[Val449Met]RDGSHRTNQY